The following is an entry in ClinVar:

NM_000639.3(FASLG):c.256A>G (p.Met86Val)

Gene: FASLG (Fas ligand; plus strand). Cytogenetic location: 1q24.3.
Variant type: single nucleotide variant.
Coding change: c.256A>G on transcript NM_000639.3 (MANE Select); coding-DNA position 256, A replaced by G.
Protein change: p.Met86Val; replaces methionine 86 with valine.
Molecular consequence: missense variant.
Genome position (GRCh38, 1-based): chr1:172,659,457, A>G. VCF-style: chr1-172659457-A-G. GRCh37 (hg19) VCF-style: chr1-172628597-A-G.
Other names: c.256A>G, p.Met86Val (NM_001302746.2); short protein forms M86V.
Identifiers: ClinVar variation 944841 (VCV000944841.6), dbSNP rs1659091267, ClinGen allele CA343805406.

ClinVar aggregate classification (germline): Uncertain significance (1 of 4 stars; one submission).

Conditions:
Autoimmune lymphoproliferative syndrome type 1. Also called: AUTOIMMUNE LYMPHOPROLIFERATIVE SYNDROME, TYPE I, AUTOSOMAL DOMINANT. Identifiers: Orphanet 3261, MedGen C2717884, MONDO:0011158, OMIM 601859.

Allele frequency attached by ClinVar (database versions not stated): gnomAD exomes below 0.00001.
gnomAD v4.1: 2 of 1,613,886 alleles (0.00012%); highest among the groups gnomAD compares: Non-Finnish European, 0.00017%; no homozygotes.

Submission:

Labcorp Genetics (formerly Invitae), Labcorp
Classification: Uncertain significance for Autoimmune lymphoproliferative syndrome. Last evaluated: 2022-07-19. Review status: criteria provided, single submitter. Criteria: Invitae Variant Classification Sherloc (09022015). Collection method: clinical testing. Allele origin: germline.
Comment: In summary, the available evidence is currently insufficient to determine the role of this variant in disease. Therefore, it has been classified as a Variant of Uncertain Significance. This sequence change replaces methionine, which is neutral and non-polar, with valine, which is neutral and non-polar, at codon 86 of the FASLG protein (p.Met86Val). This variant is not present in population databases (gnomAD no frequency). This missense change has been observed in individual(s) with some clinical features of autoimmune lymphoproliferative syndrome (PMID: 17605793). ClinVar contains an entry for this variant (Variation ID: 944841). Algorithms developed to predict the effect of missense changes on protein structure and function output the following: SIFT: "Tolerated"; PolyPhen-2: "Benign"; Align-GVGD: "Class C0". The valine amino acid residue is found in multiple mammalian species, which suggests that this missense change does not adversely affect protein function. Experimental studies have shown that this missense change does not substantially affect FASLG function (PMID: 17605793).

Literature cited by the submitters: PubMed 17605793.